The following is an entry in ClinVar:

NM_001374828.1(ARID1B):c.2772_2773del (p.Arg925fs)

Gene: ARID1B (AT-rich interaction domain 1B; plus strand). Cytogenetic location: 6q25.3.
Variant type: Deletion.
Coding change: c.2772_2773del on transcript NM_001374828.1 (MANE Select); coding-DNA positions 2772 to 2773, 2 bases deleted (CA; older notation c.2772_2773delCA).
Protein change: p.Arg925fs; shifts the reading frame from arginine 925.
Molecular consequence: frameshift variant.
Genome position (GRCh38, 1-based): chr6:157,148,634-157,148,635, CA deleted. VCF-style (leftmost placement, unchanged base first): chr6-157148633-CCA-C. GRCh37 (hg19) VCF-style: chr6-157469767-CCA-C.
Other names: c.273_274del, p.Arg92fs (NM_001363725.2, NM_001438488.1); c.2811_2812del, p.Arg938fs (NM_001371656.1, NM_001374820.1); c.2772_2773del, p.Arg925fs (NM_001438482.1, NM_017519.3); c.2814_2815del, p.Arg939fs (NM_001438483.1, NM_001438486.1); c.2682_2683del, p.Arg895fs (NM_001438485.1); c.2592_2593del, p.Arg865fs (NM_001438487.1); short protein forms R865fs, R895fs, R925fs, R92fs, R938fs, R939fs.
Identifiers: ClinVar variation 5037704 (VCV005037704.1).

ClinVar aggregate classification (germline): Pathogenic (1 of 4 stars; one submission).

Submission:

GeneDx
Classification: Pathogenic. Last evaluated: 2026-04-16. Review status: criteria provided, single submitter. Criteria: GeneDx Variant Classification Process June 2021. Collection method: clinical testing. Allele origin: germline.
Comment: Frameshift variant predicted to result in protein truncation or nonsense mediated decay in a gene for which loss of function is a known mechanism of disease; Not observed at significant frequency in large population cohorts (gnomAD); Has not been previously published as pathogenic or benign to our knowledge